The following is an entry in ClinVar:

ClinVar aggregate classification (germline): Uncertain significance (1 of 4 stars; one submission).

Conditions:
Biotinidase deficiency. Also called: BTD deficiency; Late-onset biotin-responsive multiple carboxylase deficiency; Biotin deficiency. Identifiers: Orphanet 79241, MedGen C0220754, MONDO:0009665, OMIM 253260.

Allele frequency attached by ClinVar (database versions not stated): TOPMed below 0.00001.
gnomAD v4.1: 1 of 1,613,994 alleles (0.000062%); no homozygotes.

Submission:

Baylor Genetics
Classification: Uncertain significance for Biotinidase deficiency. Last evaluated: 2025-01-18. Review status: criteria provided, single submitter. Criteria: ACMG Guidelines, 2015. Collection method: clinical testing. Allele origin: unknown.
Comment: This variant, also known as NM_000060.4(BTD):c.37A>T (p.K13*), is located within the coding region of a minor isoform but is not within the coding region of the MANE isoform NM_001370658.1. The functional consequence is uncertain.

NM_001370658.1(BTD):c.-24A>T

Gene: BTD (biotinidase; plus strand). Cytogenetic location: 3p25.1.
Variant type: single nucleotide variant.
Coding change: c.-24A>T on transcript NM_001370658.1 (MANE Select); 24 bases upstream of the start codon, A replaced by T.
Molecular consequence: 5 prime UTR variant. On other transcripts: nonsense (1), non-coding transcript variant (1), intron variant (4).
Genome position (GRCh38, 1-based): chr3:15,601,887, A>T. VCF-style: chr3-15601887-A-T. GRCh37 (hg19) VCF-style: chr3-15643394-A-T.
Other names: c.37A>T, p.Lys13Ter (NM_000060.4); c.-212A>T (NM_001281724.3); c.-24A>T (NM_001281726.3, NM_001370752.1, NM_001370753.1 and 3 more transcripts); c.-300A>T (NM_001323582.2, NM_001407384.1); c.-589A>T (NM_001407366.1); c.-575A>T (NM_001407369.1); c.-181A>T (NM_001407372.1); c.-143A>T (NM_001407373.1); and 7 more; short protein forms K13*.
Identifiers: ClinVar variation 2680362 (VCV002680362.2), dbSNP rs2064259477, ClinGen allele CA351610366.